The following is an entry in ClinVar:

ClinVar aggregate classification (germline): Conflicting classifications of pathogenicity. Review status: criteria provided, conflicting classifications (1 of 4 stars). 4 submissions from 4 submitters: Pathogenic (2); Uncertain significance (1). 1 of the submissions does not count toward it. Last evaluated 2026-02-02.

Conditions:
Isolated thoracic aortic aneurysm.
Familial thoracic aortic aneurysm and aortic dissection (TAAD). Also called: Thoracic aortic aneurysms and dissections. Identifiers: Orphanet 91387, MedGen C4707243, MONDO:0019625.
Marfan syndrome (MFS). Also called: Marfan syndrome type 1; Marfan syndrome, classic; Marfan's syndrome; FBN1-Related Marfan Syndrome; MARFAN SYNDROME, TYPE I. Identifiers: Orphanet 284963, Orphanet 558, MedGen C0024796, MONDO:0007947, OMIM 154700.

Submissions (4):

Ambry Genetics
Classification: Pathogenic for Familial thoracic aortic aneurysm and aortic dissection. Last evaluated: 2026-02-02. Review status: criteria provided, single submitter. Criteria: Ambry Variant Classification Scheme 2023. Collection method: clinical testing. Allele origin: germline.
Comment: The p.G753V pathogenic mutation (also known as c.2258G>T), located in coding exon 18 of the FBN1 gene, results from a G to T substitution at nucleotide position 2258. The glycine at codon 753 is replaced by valine, an amino acid with dissimilar properties. This variant was reported in individual(s) with features consistent with Marfan syndrome; in at least one individual, it was determined to be de novo (Franken R et al. Eur Heart J, 2016 Nov;37:3285-3290; Becerra-Mu&ntilde;oz VM et al. Orphanet J Rare Dis, 2018 Jan;13:16; Li Y et al. Eur J Hum Genet, 2021 Jul;29:1129-1138; Ambry internal data; external communication). Internal structural assessment indicates that this alteration results in the disruption of specific calcium-mediated interactions between cbEGF7 and cbEGF8 (Downing AK et al. Cell, 1996 May;85:597-605; Abbott RJ et al. J. Biol. Chem., 2007 Jul;282:22023-32). This amino acid position is highly conserved in available vertebrate species. In addition, this alteration is predicted to be deleterious by in silico analysis. This variant is considered to be rare based on population cohorts in the Genome Aggregation Database (gnomAD). Based on the supporting evidence, this variant is interpreted as a disease-causing mutation.

Labcorp Genetics (formerly Invitae), Labcorp
Classification: Pathogenic for Marfan syndrome; Familial thoracic aortic aneurysm and aortic dissection. Last evaluated: 2025-07-27. Review status: criteria provided, single submitter. Criteria: Invitae Variant Classification Sherloc (09022015). Collection method: clinical testing. Allele origin: germline.
Comment: This sequence change replaces glycine, which is neutral and non-polar, with valine, which is neutral and non-polar, at codon 753 of the FBN1 protein (p.Gly753Val). This variant is not present in population databases (gnomAD no frequency). This missense change has been observed in individual(s) with Marfan syndrome (PMID: 26787436, 29357934). In at least one individual the variant was observed to be de novo. ClinVar contains an entry for this variant (Variation ID: 519800). Invitae Evidence Modeling of protein sequence and biophysical properties (such as structural, functional, and spatial information, amino acid conservation, physicochemical variation, residue mobility, and thermodynamic stability) indicates that this missense variant is expected to disrupt FBN1 protein function with a positive predictive value of 95%. For these reasons, this variant has been classified as Pathogenic.

Department of Vascular Biology, Beijing Anzhen Hospital
Classification: Uncertain significance for Isolated thoracic aortic aneurysm. Last evaluated: 2018-09-01. Review status: criteria provided, single submitter. Criteria: ACMG Guidelines, 2015. Collection method: research. Allele origin: germline. Affected: yes.

Center for Medical Genetics Ghent, University of Ghent
Classification: Uncertain significance for Marfan syndrome. Last evaluated: 2017-11-07. Review status: no assertion criteria provided. Collection method: clinical testing. Allele origin: germline. Affected: yes. Not counted in ClinVar's aggregate classification.

Literature cited by the submitters: PubMed 17449467 (cited by Ambry Genetics); PubMed 26787436 (cited by Ambry Genetics and Labcorp Genetics (formerly Invitae), Labcorp); PubMed 29357934 (cited by Ambry Genetics and Labcorp Genetics (formerly Invitae), Labcorp); PubMed 33824467 (cited by Ambry Genetics); PubMed 8653794 (cited by Ambry Genetics).

NM_000138.5(FBN1):c.2258G>T (p.Gly753Val)

Gene: FBN1 (fibrillin 1; minus strand). Cytogenetic location: 15q21.1.
Variant type: single nucleotide variant.
Coding change: c.2258G>T on transcript NM_000138.5 (MANE Select); coding-DNA position 2258, G replaced by T.
Protein change: p.Gly753Val; replaces glycine 753 with valine.
Molecular consequence: missense variant.
Genome position (GRCh38, 1-based): chr15:48,497,301, C>A on the plus strand (G>T on the coding strand, the complement: FBN1 is on the minus strand). VCF-style: chr15-48497301-C-A. GRCh37 (hg19) VCF-style: chr15-48789498-C-A.
Other names: short protein forms G753V.
Identifiers: ClinVar variation 519800 (VCV000519800.18), dbSNP rs1555399365, ClinGen allele CA392335652.
Genomic context (GRCh38, chr15:48,497,301, plus strand): 5'-TCAGAAAATGGGTAAAACTTCTCACCAACGCAGTTTTTCCCAGTTGAATCCACTTCATAT[C>A]CTGAATTGCATATACATTTATAGGTCCCACGAAGGTTTTCACAGATTCCATTTGGGCAAA-3'
Protein context (NP_000129.3, residues 743-763): RGTYKCICNS[Gly753Val]YEVDSTGKNC